The following is an entry in ClinVar:

ClinVar aggregate classification (germline): Uncertain significance (1 of 4 stars; one submission).

Allele frequency attached by ClinVar (database versions not stated): TOPMed below 0.00001.

Submission:

Labcorp Genetics (formerly Invitae), Labcorp
Classification: Uncertain significance. Last evaluated: 2025-02-17. Review status: criteria provided, single submitter. Criteria: Invitae Variant Classification Sherloc (09022015). Collection method: clinical testing. Allele origin: germline.
Comment: This sequence change replaces glycine, which is neutral and non-polar, with valine, which is neutral and non-polar, at codon 250 of the CARD8 protein (p.Gly250Val). This variant is not present in population databases (gnomAD no frequency). This variant has not been reported in the literature in individuals affected with CARD8-related conditions. ClinVar contains an entry for this variant (Variation ID: 1936835). An algorithm developed to predict the effect of missense changes on protein structure and function (PolyPhen-2) suggests that this variant is likely to be disruptive. In summary, the available evidence is currently insufficient to determine the role of this variant in disease. Therefore, it has been classified as a Variant of Uncertain Significance.

NM_001184900.3(CARD8):c.899G>T (p.Gly300Val)

Gene: CARD8 (caspase recruitment domain family member 8; minus strand). Cytogenetic location: 19q13.33.
Variant type: single nucleotide variant.
Coding change: c.899G>T on transcript NM_001184900.3 (MANE Select); coding-DNA position 899, G replaced by T.
Protein change: p.Gly300Val; replaces glycine 300 with valine.
Molecular consequence: missense variant. On other transcripts: non-coding transcript variant (4).
Genome position (GRCh38, 1-based): chr19:48,230,574, C>A on the plus strand (G>T on the coding strand, the complement: CARD8 is on the minus strand). VCF-style: chr19-48230574-C-A. GRCh37 (hg19) VCF-style: chr19-48733831-C-A.
Other names: c.749G>T, p.Gly250Val (NM_001184901.1, NM_001351783.2, NM_001351788.2 and 2 more transcripts); c.899G>T, p.Gly300Val (NM_001184902.2, NM_001184903.1, NM_001351782.2); c.584G>T, p.Gly195Val (NM_001351784.2, NM_001351787.2, NM_001351791.2 and 1 more transcripts); c.563G>T, p.Gly188Val (NM_001351786.2); c.656G>T, p.Gly219Val (NM_001351790.2); c.581G>T, p.Gly194Val (NM_001365950.1); short protein forms G195V, G219V, G188V, G300V, G194V, G250V.
Identifiers: ClinVar variation 1936835 (VCV001936835.5), dbSNP rs2042668934, ClinGen allele CA406643886.